The following is an entry in ClinVar:

ClinVar aggregate classification (germline): Benign/Likely benign. Review status: criteria provided, multiple submitters, no conflicts (2 of 4 stars). 4 submissions from 4 submitters: Benign (1); Likely benign (3). Last evaluated 2024-07-17.

Conditions:
Hereditary cancer-predisposing syndrome. Also called: Neoplastic Syndromes, Hereditary; Tumor predisposition; Hereditary Cancer Syndrome; Hereditary neoplastic syndrome. Identifiers: Orphanet 140162, MedGen C0027672, MeSH D009386, MONDO:0015356.
BAP1-related tumor predisposition syndrome (TPDS1). Also called: BAP1 tumor predisposition syndrome; Tumor susceptibility linked to germline BAP1 mutations; COMMON Syndrome; TUMOR PREDISPOSITION SYNDROME 1. Identifiers: Orphanet 289539, MedGen C3280492, MONDO:0013692, OMIM 614327.

Allele frequency attached by ClinVar (database versions not stated): ExAC 0.00001.

Submissions (4):

Myriad Genetics, Inc.
Classification: Benign for BAP1-related tumor predisposition syndrome. Last evaluated: 2024-07-17. Review status: criteria provided, single submitter. Criteria: Myriad Autosomal Dominant, Autosomal Recessive and X-Linked Classification Criteria (2023). Collection method: clinical testing. Allele origin: unknown.
Comment: This variant is considered benign. This variant is a silent/synonymous amino acid change and it is not expected to impact splicing.

Quest Diagnostics Nichols Institute San Juan Capistrano
Classification: Likely benign. Last evaluated: 2023-08-22. Review status: criteria provided, single submitter. Criteria: Quest Diagnostics criteria. Collection method: clinical testing. Allele origin: unknown.

Labcorp Genetics (formerly Invitae), Labcorp
Classification: Likely benign for BAP1-related tumor predisposition syndrome. Last evaluated: 2023-08-10. Review status: criteria provided, single submitter. Criteria: Invitae Variant Classification Sherloc (09022015). Collection method: clinical testing. Allele origin: germline.

Ambry Genetics
Classification: Likely benign for Hereditary cancer-predisposing syndrome. Last evaluated: 2019-09-21. Review status: criteria provided, single submitter. Criteria: Ambry Variant Classification Scheme 2023. Collection method: clinical testing. Allele origin: germline.

NM_004656.4(BAP1):c.1707G>A (p.Val569=)

Gene: BAP1 (BRCA1 associated deubiquitinase 1; minus strand). Cytogenetic location: 3p21.1.
Variant type: single nucleotide variant.
Coding change: c.1707G>A on transcript NM_004656.4 (MANE Select); coding-DNA position 1707, G replaced by A.
Protein change: p.Val569=; no amino-acid change (valine 569 retained).
Molecular consequence: synonymous variant.
Genome position (GRCh38, 1-based): chr3:52,403,438, C>T on the plus strand (G>A on the coding strand, the complement: BAP1 is on the minus strand). VCF-style: chr3-52403438-C-T. GRCh37 (hg19) VCF-style: chr3-52437454-C-T.
Other names: c.1653G>A, p.Val551= (NM_001410772.1); c.1707G>A (NM_004656.3).
Identifiers: ClinVar variation 1778481 (VCV001778481.7), dbSNP rs771984445, ClinGen allele CA2436752.